The following is an entry in ClinVar:

NM_000128.4(F11):c.1360A>G (p.Ile454Val)

Gene: F11 (coagulation factor XI; plus strand). Cytogenetic location: 4q35.2.
Variant type: single nucleotide variant.
Coding change: c.1360A>G on transcript NM_000128.4 (MANE Select); coding-DNA position 1360, A replaced by G.
Protein change: p.Ile454Val; replaces isoleucine 454 with valine.
Molecular consequence: missense variant.
Genome position (GRCh38, 1-based): chr4:186,285,693, A>G. VCF-style: chr4-186285693-A-G. GRCh37 (hg19) VCF-style: chr4-187206847-A-G.
Other names: short protein forms I454V.
Identifiers: ClinVar variation 1302581 (VCV001302581.2), dbSNP rs903458418, ClinGen allele CA112103701.

ClinVar aggregate classification (germline): Uncertain significance (1 of 4 stars; one submission).

Allele frequency attached by ClinVar (database versions not stated): gnomAD exomes below 0.00001.
gnomAD v4.1: 2 of 1,614,076 alleles (0.00012%); highest among the groups gnomAD compares: Non-Finnish European, 0.00017%; no homozygotes.

Submission:

GeneDx
Classification: Uncertain significance. Last evaluated: 2019-05-21. Review status: criteria provided, single submitter. Criteria: GeneDx Variant Classification Process June 2021. Collection method: clinical testing. Allele origin: germline. Affected: yes.
Comment: Not observed in large population cohorts (Lek et al., 2016); in silico analysis, which includes protein predictors and evolutionary conservation, supports that this variant does not alter protein structure/function; Has not been previously published as pathogenic or benign to our knowledge